The following is an entry in ClinVar:

ClinVar aggregate classification (germline): Uncertain significance (1 of 4 stars; one submission).

Conditions:
Saldino-Mainzer syndrome (SRTD9). Also called: CONORENAL SYNDROME; Renal dysplasia, retinal pigmentary dystrophy, cerebellar ataxia and skeletal dysplasia; SHORT-RIB THORACIC DYSPLASIA 9 WITHOUT POLYDACTYLY; short-rib thoracic dysplasia 9 with or without polydactyly. Identifiers: Orphanet 140969, MedGen C1849437, MONDO:0009964, OMIM 266920.

Allele frequency attached by ClinVar (database versions not stated): TOPMed below 0.00001; gnomAD 0.00001.
gnomAD v4.1: 1 of 1,613,368 alleles (0.000062%); highest among the groups gnomAD compares: Non-Finnish European, 0.000085%; no homozygotes.

Submission:

Labcorp Genetics (formerly Invitae), Labcorp
Classification: Uncertain significance for Saldino-Mainzer syndrome. Last evaluated: 2022-03-27. Review status: criteria provided, single submitter. Criteria: Invitae Variant Classification Sherloc (09022015). Collection method: clinical testing. Allele origin: germline.
Comment: In summary, the available evidence is currently insufficient to determine the role of this variant in disease. Therefore, it has been classified as a Variant of Uncertain Significance. Algorithms developed to predict the effect of missense changes on protein structure and function (SIFT, PolyPhen-2, Align-GVGD) all suggest that this variant is likely to be tolerated. This variant has not been reported in the literature in individuals affected with IFT140-related conditions. This variant is not present in population databases (gnomAD no frequency). This sequence change replaces proline, which is neutral and non-polar, with alanine, which is neutral and non-polar, at codon 1064 of the IFT140 protein (p.Pro1064Ala).

NM_014714.4(IFT140):c.3190C>G (p.Pro1064Ala)

Gene: IFT140 (intraflagellar transport 140; minus strand). Cytogenetic location: 16p13.3.
Variant type: single nucleotide variant.
Coding change: c.3190C>G on transcript NM_014714.4 (MANE Select); coding-DNA position 3190, C replaced by G.
Protein change: p.Pro1064Ala; replaces proline 1064 with alanine.
Molecular consequence: missense variant.
Genome position (GRCh38, 1-based): chr16:1,523,908, G>C on the plus strand (C>G on the coding strand, the complement: IFT140 is on the minus strand). VCF-style: chr16-1523908-G-C. GRCh37 (hg19) VCF-style: chr16-1573909-G-C.
Other names: short protein forms P1064A.
Identifiers: ClinVar variation 2114321 (VCV002114321.4), dbSNP rs1046589259, ClinGen allele CA394225712.